The following is an entry in ClinVar:

NM_001367868.2(PLIN4):c.1980G>A (p.Ala660=)

Gene: PLIN4 (perilipin 4; minus strand). Cytogenetic location: 19p13.3.
Variant type: single nucleotide variant.
Coding change: c.1980G>A on transcript NM_001367868.2 (MANE Select); coding-DNA position 1980, G replaced by A.
Protein change: p.Ala660=; no amino-acid change (alanine 660 retained).
Molecular consequence: synonymous variant.
Genome position (GRCh38, 1-based): chr19:4,511,980, C>T on the plus strand (G>A on the coding strand, the complement: PLIN4 is on the minus strand). VCF-style: chr19-4511980-C-T. GRCh37 (hg19) VCF-style: chr19-4511992-C-T.
Other names: c.1983G>A, p.Ala661= (NM_001393888.1, NM_001393889.1); c.1980G>A, p.Ala660= (NM_001393890.1, NM_001393891.1).
Identifiers: ClinVar variation 2649047 (VCV002649047.24), dbSNP rs111370954, ClinGen allele CA9100422.
Genomic context (GRCh38, chr19:4,511,980, plus strand): 5'-CCCTTTGGCCACATTCACAGCACTGGTCACCCCACTGCCAAAGGTGTTCTTTGTACCTGT[C>T]GCGATATTTTGGGTCGTTTTCAGCCCAGTTTGCACAGCCCCCTTGGCCACGTTCACGGCA-3'
Protein context (NP_001354797.1, residues 650-670): QTGLKTTQNI[Ala660=]TGTKNTFGSG

ClinVar aggregate classification (germline): Likely benign (1 of 4 stars; one submission).

Allele frequency attached by ClinVar (database versions not stated): ExAC 0.00078; 1000 Genomes Project 30x 0.01249.

Submission:

CeGaT Center for Human Genetics Tuebingen
Classification: Likely benign. Last evaluated: 2022-05-01. Review status: criteria provided, single submitter. Criteria: CeGaT Center For Human Genetics Tuebingen Variant Classification Criteria Version 2. Collection method: clinical testing. Allele origin: germline. Affected: yes. Observed: 1 variant allele.
Comment: PLIN4: BP4, BP7